The following is an entry in ClinVar:

NM_001851.6(COL9A1):c.1287+110A>G

Gene: COL9A1 (collagen type IX alpha 1 chain; minus strand). Cytogenetic location: 6q13.
Variant type: single nucleotide variant.
Coding change: c.1287+110A>G on transcript NM_001851.6 (MANE Select); 110 bases into the intron after coding-DNA position 1287, A replaced by G.
Molecular consequence: intron variant.
Genome position (GRCh38, 1-based): chr6:70,268,694, T>C on the plus strand (A>G on the coding strand, the complement: COL9A1 is on the minus strand). VCF-style: chr6-70268694-T-C. GRCh37 (hg19) VCF-style: chr6-70978397-T-C.
Other names: c.558+110A>G (NM_001377290.1, NM_078485.4, NM_001377289.1).
Identifiers: ClinVar variation 677935 (VCV000677935.1), dbSNP rs10755539, ClinGen allele CA15476803.

ClinVar aggregate classification (germline): Benign (1 of 4 stars; one submission).

Allele frequency attached by ClinVar (database versions not stated): 1000 Genomes Project 30x 0.05325; 1000 Genomes Project 0.05511; TOPMed 0.06667; gnomAD 0.07340 and 0.07362; gnomAD exomes 0.09793.
gnomAD v4.1: 87,520 of 931,846 alleles (9.4%); highest among the groups gnomAD compares: Middle Eastern, 13%; 4,636 homozygotes.

Submission:

GeneDx
Classification: Benign. Last evaluated: 2018-06-14. Review status: criteria provided, single submitter. Criteria: GeneDx Variant Classification (06012015). Collection method: clinical testing. Allele origin: germline. Affected: yes.
Comment: This variant is considered likely benign or benign based on one or more of the following criteria: it is a conservative change, it occurs at a poorly conserved position in the protein, it is predicted to be benign by multiple in silico algorithms, and/or has population frequency not consistent with disease.